The following is an entry in ClinVar:

ClinVar aggregate classification (germline): Uncertain significance. Review status: criteria provided, multiple submitters, no conflicts (2 of 4 stars). 2 submissions from 2 submitters: Uncertain significance (2). Last evaluated 2020-04-18.

Conditions:
Bainbridge-Ropers syndrome. Also called: Severe feeding difficulties-failure to thrive-microcephaly due to ASXL3 deficiency syndrome. Identifiers: Orphanet 352577, MedGen C4750837, MONDO:0014205, OMIM 615485.

Allele frequency attached by ClinVar (database versions not stated): TOPMed 0.00002; gnomAD exomes 0.00003; gnomAD 0.00001; ExAC 0.00002.
gnomAD v4.1: 34 of 1,613,882 alleles (0.0021%); highest among the groups gnomAD compares: Middle Eastern, 0.016%; no homozygotes.

Submissions (2):

New York Genome Center
Classification: Uncertain significance for Bainbridge-Ropers syndrome. Last evaluated: 2020-04-18. Review status: criteria provided, single submitter. Criteria: NYGC Assertion Criteria 2020. Collection method: clinical testing. Allele origin: germline. Observed: 1 heterozygote. Study: CSER-NYCKidSeq.

Baylor Genetics
Classification: Uncertain significance for Bainbridge-Ropers syndrome. Last evaluated: 2019-05-10. Review status: criteria provided, single submitter. Criteria: ACMG Guidelines, 2015. Collection method: clinical testing. Allele origin: de novo. Affected: yes.
Comment: This variant was determined to be of uncertain significance according to ACMG Guidelines, 2015 [PMID:25741868].

NM_030632.3(ASXL3):c.4439C>T (p.Thr1480Met)

Gene: ASXL3 (ASXL transcriptional regulator 3; plus strand). Cytogenetic location: 18q12.1.
Variant type: single nucleotide variant.
Coding change: c.4439C>T on transcript NM_030632.3 (MANE Select); coding-DNA position 4439, C replaced by T.
Protein change: p.Thr1480Met; replaces threonine 1480 with methionine.
Molecular consequence: missense variant.
Genome position (GRCh38, 1-based): chr18:33,744,287, C>T. VCF-style: chr18-33744287-C-T. GRCh37 (hg19) VCF-style: chr18-31324251-C-T.
Other names: short protein forms T1480M.
Identifiers: ClinVar variation 1028389 (VCV001028389.2), dbSNP rs747561057, ClinGen allele CA8934261.